The following is an entry in ClinVar:

ClinVar aggregate classification (germline): Conflicting classifications of pathogenicity. Review status: criteria provided, conflicting classifications (1 of 4 stars). 3 submissions from 3 submitters: Uncertain significance (1); Likely benign (2). Last evaluated 2025-04-24.

Conditions:
Hereditary cancer-predisposing syndrome. Also called: Neoplastic Syndromes, Hereditary; Hereditary Cancer Syndrome; Hereditary neoplastic syndrome; Tumor predisposition. Identifiers: Orphanet 140162, MedGen C0027672, MeSH D009386, MONDO:0015356.
Tuberous sclerosis 1 (TSC1). Identifiers: Orphanet 805, MedGen C1854465, MONDO:0008612, OMIM 191100.

Allele frequency attached by ClinVar (database versions not stated): gnomAD exomes below 0.00001.
gnomAD v4.1: 2 of 1,613,902 alleles (0.00012%); highest among the groups gnomAD compares: Non-Finnish European, 0.00017%; no homozygotes.

Submissions (3):

Myriad Genetics, Inc.
Classification: Likely benign for Tuberous sclerosis 1. Last evaluated: 2025-04-24. Review status: criteria provided, single submitter. Criteria: Myriad Autosomal Dominant, Autosomal Recessive and X-Linked Classification Criteria (2023). Collection method: clinical testing. Allele origin: unknown.
Comment: This variant is considered likely benign. This variant is intronic and is not expected to impact mRNA splicing.

Ambry Genetics
Classification: Uncertain significance for Hereditary cancer-predisposing syndrome. Last evaluated: 2025-01-10. Review status: criteria provided, single submitter. Criteria: Ambry Variant Classification Scheme 2023. Collection method: clinical testing. Allele origin: germline.
Comment: The c.1998-5C>T intronic variant results from a C to T substitution 5 nucleotides upstream from coding exon 14 in the TSC1 gene. This nucleotide position is not well conserved in available vertebrate species. In silico splice site analysis predicts that this alteration will not have any significant effect on splicing. Based on the available evidence, the clinical significance of this variant remains unclear.

Labcorp Genetics (formerly Invitae), Labcorp
Classification: Likely benign for Tuberous sclerosis 1. Last evaluated: 2024-11-24. Review status: criteria provided, single submitter. Criteria: Invitae Variant Classification Sherloc (09022015). Collection method: clinical testing. Allele origin: germline.

NM_000368.5(TSC1):c.1998-5C>T

Gene: TSC1 (TSC complex subunit 1; minus strand). Cytogenetic location: 9q34.13.
Variant type: single nucleotide variant.
Coding change: c.1998-5C>T on transcript NM_000368.5 (MANE Select); 5 bases into the intron before coding-DNA position 1998, C replaced by T.
Molecular consequence: intron variant.
Genome position (GRCh38, 1-based): chr9:132,904,459, G>A on the plus strand (C>T on the coding strand, the complement: TSC1 is on the minus strand). VCF-style: chr9-132904459-G-A. GRCh37 (hg19) VCF-style: chr9-135779846-G-A.
Other names: c.1635-5C>T (NM_001362177.2); c.1845-5C>T (NM_001162427.2); c.1995-5C>T (NM_001162426.2).
Identifiers: ClinVar variation 1120600 (VCV001120600.13), dbSNP rs1845548849, ClinGen allele CA1882412363.